The following is an entry in ClinVar:

ClinVar aggregate classification (germline): Pathogenic (1 of 4 stars; one submission).

Conditions:
Familial thoracic aortic aneurysm and aortic dissection (TAAD). Also called: Thoracic aortic aneurysms and dissections. Identifiers: Orphanet 91387, MedGen C4707243, MONDO:0019625.

Submission:

Ambry Genetics
Classification: Pathogenic for Familial thoracic aortic aneurysm and aortic dissection. Last evaluated: 2024-05-30. Review status: criteria provided, single submitter. Criteria: Ambry Variant Classification Scheme 2023. Collection method: clinical testing. Allele origin: germline.
Comment: The c.280delA pathogenic mutation, located in coding exon 1 of the TGFB2 gene, results from a deletion of one nucleotide at nucleotide position 280, causing a translational frameshift with a predicted alternate stop codon (p.S94Afs*13). This variant is considered to be rare based on population cohorts in the Genome Aggregation Database (gnomAD). This alteration is expected to result in loss of function by premature protein truncation or nonsense-mediated mRNA decay. As such, this alteration is interpreted as a disease-causing mutation.

NM_003238.6(TGFB2):c.280del (p.Ser94fs)

Gene: TGFB2 (transforming growth factor beta 2; plus strand). Cytogenetic location: 1q41.
Variant type: Deletion.
Coding change: c.280del on transcript NM_003238.6 (MANE Select); coding-DNA position 280, one base deleted (A; older notation c.280delA).
Protein change: p.Ser94fs; shifts the reading frame from serine 94.
Molecular consequence: frameshift variant. On other transcripts: non-coding transcript variant (2).
Genome position (GRCh38, 1-based): chr1:218,346,981, A deleted. VCF-style (leftmost placement, unchanged base first): chr1-218346980-GA-G. GRCh37 (hg19) VCF-style: chr1-218520322-GA-G.
Other names: c.280del, p.Ser94fs (NM_001135599.4); short protein forms S94fs.
Identifiers: ClinVar variation 520193 (VCV000520193.6), dbSNP rs1553292123, ClinGen allele CA658795601.